The following is an entry in ClinVar:

ClinVar aggregate classification (germline): Uncertain significance (1 of 4 stars; one submission).

Conditions:
Bethlem myopathy 1A. Also called: Bethlem myopathy 1; Bethlem Muscular Dystrophy; MYOPATHY, BENIGN CONGENITAL, WITH CONTRACTURES. Identifiers: Orphanet 610, MedGen CN029274, MONDO:0024530, OMIM 158810.

gnomAD v4.1: 3 of 1,614,192 alleles (0.00019%); highest among the groups gnomAD compares: Non-Finnish European, 0.00025%; no homozygotes.

Submission:

Labcorp Genetics (formerly Invitae), Labcorp
Classification: Uncertain significance for Bethlem myopathy 1A. Last evaluated: 2024-01-25. Review status: criteria provided, single submitter. Criteria: Invitae Variant Classification Sherloc (09022015). Collection method: clinical testing. Allele origin: germline.
Comment: This sequence change replaces arginine, which is basic and polar, with serine, which is neutral and polar, at codon 677 of the COL6A3 protein (p.Arg677Ser). This variant is not present in population databases (gnomAD no frequency). This missense change has been observed in individual(s) with clinical features of COL6A3-related conditions (Invitae). Advanced modeling of protein sequence and biophysical properties (such as structural, functional, and spatial information, amino acid conservation, physicochemical variation, residue mobility, and thermodynamic stability) performed at Invitae indicates that this missense variant is not expected to disrupt COL6A3 protein function with a negative predictive value of 95%. In summary, the available evidence is currently insufficient to determine the role of this variant in disease. Therefore, it has been classified as a Variant of Uncertain Significance.

NM_004369.4(COL6A3):c.2029C>A (p.Arg677Ser)

Gene: COL6A3 (collagen type VI alpha 3 chain; minus strand). Cytogenetic location: 2q37.3.
Variant type: single nucleotide variant.
Coding change: c.2029C>A on transcript NM_004369.4 (MANE Select); coding-DNA position 2029, C replaced by A.
Protein change: p.Arg677Ser; replaces arginine 677 with serine.
Molecular consequence: missense variant. On other transcripts: intron variant (1).
Genome position (GRCh38, 1-based): chr2:237,379,104, G>T on the plus strand (C>A on the coding strand, the complement: COL6A3 is on the minus strand). VCF-style: chr2-237379104-G-T. GRCh37 (hg19) VCF-style: chr2-238287747-G-T.
Other names: c.808C>A, p.Arg270Ser (NM_057164.5); c.1411C>A, p.Arg471Ser (NM_057165.5, NM_057167.4); c.677-1760C>A (NM_057166.5); short protein forms R471S, R677S, R270S.
Identifiers: ClinVar variation 2720171 (VCV002720171.3), dbSNP rs137923508, ClinGen allele CA351214879.